The following is an entry in ClinVar:

NM_006118.4(HAX1):c.154_155dup (p.Ser53fs)

Gene: HAX1 (HCLS1 associated protein X-1; plus strand). Cytogenetic location: 1q21.3.
Variant type: Duplication.
Coding change: c.154_155dup on transcript NM_006118.4 (MANE Select); coding-DNA positions 154 to 155, 2 bases duplicated (CA; older notation c.154_155dupCA).
Protein change: p.Ser53fs; shifts the reading frame from serine 53.
Molecular consequence: frameshift variant. On other transcripts: intron variant (1).
Genome position (GRCh38, 1-based): chr1:154,273,436-154,273,437, CA duplicated. VCF-style (leftmost placement, unchanged base first): chr1-154273435-C-CCA. GRCh37 (hg19) VCF-style: chr1-154245911-C-CCA.
Other names: c.54-44_54-43dup (NM_001018837.2); short protein forms S53fs.
Identifiers: ClinVar variation 2116504 (VCV002116504.4), dbSNP rs2524931096, ClinGen allele CA2580061090.

ClinVar aggregate classification (germline): Pathogenic (1 of 4 stars; one submission).

Conditions:
Kostmann syndrome (SCN3). Also called: KOSTMANN DISEASE; Autosomal recessive severe congenital neutropenia type 3. Identifiers: Orphanet 99749, MedGen C5235141, MONDO:0012548, OMIM 610738.

Submission:

Labcorp Genetics (formerly Invitae), Labcorp
Classification: Pathogenic for Kostmann syndrome. Last evaluated: 2024-01-19. Review status: criteria provided, single submitter. Criteria: Invitae Variant Classification Sherloc (09022015). Collection method: clinical testing. Allele origin: germline.
Comment: This sequence change creates a premature translational stop signal (p.Ser53Ilefs*33) in the HAX1 gene. It is expected to result in an absent or disrupted protein product. Loss-of-function variants in HAX1 are known to be pathogenic (PMID: 17187068). This variant is not present in population databases (gnomAD no frequency). This variant has not been reported in the literature in individuals affected with HAX1-related conditions. ClinVar contains an entry for this variant (Variation ID: 2116504). For these reasons, this variant has been classified as Pathogenic.

Literature cited by the submitters: PubMed 17187068.